The following is an entry in ClinVar:

ClinVar aggregate classification (germline): Benign. Review status: criteria provided, multiple submitters, no conflicts (2 of 4 stars). 6 submissions from 6 submitters: Benign (6). Last evaluated 2026-01-27.

Conditions:
Cataract 18 (CATC2). Also called: CATARACT 18, AUTOSOMAL RECESSIVE. Identifiers: Orphanet 91492, Orphanet 98991, Orphanet 98992, Orphanet 98995, MedGen C1864908, MONDO:0012395, OMIM 610019.

Allele frequency attached by ClinVar (database versions not stated): TOPMed 0.07231; gnomAD 0.08069 and 0.08820; ESP Exome Variant Server 0.08119; 1000 Genomes Project 30x 0.10275; 1000 Genomes Project 0.10563; ExAC 0.12706.
gnomAD v4.1: 181,860 of 1,614,126 alleles (11%); highest among the groups gnomAD compares: South Asian, 33%; 13,763 homozygotes.

Submissions (6):

Labcorp Genetics (formerly Invitae), Labcorp
Classification: Benign for Cataract 18. Last evaluated: 2026-01-27. Review status: criteria provided, single submitter. Criteria: Invitae Variant Classification Sherloc (09022015). Collection method: clinical testing. Allele origin: germline.

Genome-Nilou Lab
Classification: Benign for Cataract 18. Last evaluated: 2021-08-10. Review status: criteria provided, single submitter. Criteria: ACMG Guidelines, 2015. Collection method: clinical testing. Allele origin: germline. Affected: no.

GeneDx
Classification: Benign. Last evaluated: 2018-05-10. Review status: criteria provided, single submitter. Criteria: GeneDx Variant Classification (06012015). Collection method: clinical testing. Allele origin: germline. Affected: yes.
Comment: This variant is considered likely benign or benign based on one or more of the following criteria: it is a conservative change, it occurs at a poorly conserved position in the protein, it is predicted to be benign by multiple in silico algorithms, and/or has population frequency not consistent with disease.

Illumina Laboratory Services, Illumina
Classification: Benign for Cataract 18. Last evaluated: 2018-01-12. Review status: criteria provided, single submitter. Criteria: ICSL Variant Classification Criteria 13 December 2019. Collection method: clinical testing. Allele origin: germline.
Comment: This variant was observed in the ICSL laboratory as part of a predisposition screen in an ostensibly healthy population. It had not been previously curated by ICSL or reported in the Human Gene Mutation Database (HGMD: prior to June 1st, 2018), and was therefore a candidate for classification through an automated scoring system. Utilizing variant allele frequency, disease prevalence and penetrance estimates, and inheritance mode, an automated score was calculated to assess if this variant is too frequent to cause the disease. Based on the score and internal cut-off values, a variant classified as benign is not then subjected to further curation. The score for this variant resulted in a classification of benign for this disease.

Breakthrough Genomics
Classification: Benign. Review status: criteria provided, single submitter. Criteria: ACMG Guidelines, 2015. Collection method: not provided. Allele origin: germline. Inheritance: Autosomal recessive inheritance. Affected: yes.

PreventionGenetics, part of Exact Sciences
Classification: Benign. Review status: criteria provided, single submitter. Criteria: ACMG Guidelines, 2015. Collection method: clinical testing. Allele origin: germline.

NM_024513.4(FYCO1):c.2739C>T (p.Cys913=)

Gene: FYCO1 (FYVE and coiled-coil domain autophagy adaptor 1; minus strand). Cytogenetic location: 3p21.31.
Variant type: single nucleotide variant.
Coding change: c.2739C>T on transcript NM_024513.4 (MANE Select); coding-DNA position 2739, C replaced by T.
Protein change: p.Cys913=; no amino-acid change (cysteine 913 retained).
Molecular consequence: synonymous variant.
Genome position (GRCh38, 1-based): chr3:45,966,595, G>A on the plus strand (C>T on the coding strand, the complement: FYCO1 is on the minus strand). VCF-style: chr3-45966595-G-A. GRCh37 (hg19) VCF-style: chr3-46008087-G-A.
Identifiers: ClinVar variation 261724 (VCV000261724.17), dbSNP rs13079869, ClinGen allele CA2352981.